The following is an entry in ClinVar:

NM_000081.4(LYST):c.2538G>C (p.Gln846His)

Gene: LYST (lysosomal trafficking regulator; minus strand). Cytogenetic location: 1q42.3.
Variant type: single nucleotide variant.
Coding change: c.2538G>C on transcript NM_000081.4 (MANE Select); coding-DNA position 2538, G replaced by C.
Protein change: p.Gln846His; replaces glutamine 846 with histidine.
Molecular consequence: missense variant.
Genome position (GRCh38, 1-based): chr1:235,806,598, C>G on the plus strand (G>C on the coding strand, the complement: LYST is on the minus strand). VCF-style: chr1-235806598-C-G. GRCh37 (hg19) VCF-style: chr1-235969898-C-G.
Other names: c.2538G>C, p.Gln846His (NM_001301365.1); short protein forms Q846H.
Identifiers: ClinVar variation 4810903 (VCV004810903.1).
Genomic context (GRCh38, chr1:235,806,598, plus strand): 5'-ATCTGAATAAGCTTGCTGATGATGAAAAGAAGTACCCACATGTACAGAGGACAACTCCTT[C>G]TGTTCAATGTCTATCCCATCAATATCTGGAACTGAGGCATCTTTCTGTTGCTCCCCTAGG-3'
Protein context (NP_000072.2, residues 836-856): VPDIDGIDIE[Gln846His]KELSSVHVGT

ClinVar aggregate classification (germline): Uncertain significance (1 of 4 stars; one submission).

Conditions:
Chédiak-Higashi syndrome (CHS). Also called: Chediak-Higashi Syndrome. Identifiers: Orphanet 167, MedGen C0007965, MONDO:0008963, OMIM 214500.

gnomAD v4.1: 1 of 1,614,114 alleles (0.000062%); highest among the groups gnomAD compares: East Asian, 0.0022%; no homozygotes.

Submission:

Labcorp Genetics (formerly Invitae), Labcorp
Classification: Uncertain significance for Chédiak-Higashi syndrome. Last evaluated: 2025-12-11. Review status: criteria provided, single submitter. Criteria: Invitae Variant Classification Sherloc (09022015). Collection method: clinical testing. Allele origin: germline.
Comment: This sequence change replaces glutamine, which is neutral and polar, with histidine, which is basic and polar, at codon 846 of the LYST protein (p.Gln846His). This variant is not present in population databases (gnomAD no frequency). This variant has not been reported in the literature in individuals affected with LYST-related conditions. Invitae Evidence Modeling of protein sequence and biophysical properties (such as structural, functional, and spatial information, amino acid conservation, physicochemical variation, residue mobility, and thermodynamic stability) indicates that this missense variant is not expected to disrupt LYST protein function with a negative predictive value of 80%. In summary, the available evidence is currently insufficient to determine the role of this variant in disease. Therefore, it has been classified as a Variant of Uncertain Significance.